The following is an entry in ClinVar:

NM_002439.5(MSH3):c.995C>T (p.Ala332Val)

Genes: MSH3 (mutS homolog 3; plus strand), LOC126807437 (MED14-independent group 3 enhancer GRCh37_chr5:79968379-79969578; plus strand). Cytogenetic location: 5q14.1.
Variant type: single nucleotide variant.
Coding change: c.995C>T on transcript NM_002439.5 (MANE Select); coding-DNA position 995, C replaced by T.
Protein change: p.Ala332Val; replaces alanine 332 with valine.
Molecular consequence: missense variant.
Genome position (GRCh38, 1-based): chr5:80,672,826, C>T. VCF-style: chr5-80672826-C-T. GRCh37 (hg19) VCF-style: chr5-79968645-C-T.
Other names: short protein forms A332V.
Identifiers: ClinVar variation 1768726 (VCV001768726.2), dbSNP rs763366083, ClinGen allele CA360267497.

ClinVar aggregate classification (germline): Uncertain significance (1 of 4 stars; one submission).

Conditions:
Hereditary cancer-predisposing syndrome. Also called: Hereditary Cancer Syndrome; Hereditary neoplastic syndrome; Neoplastic Syndromes, Hereditary; Tumor predisposition. Identifiers: Orphanet 140162, MedGen C0027672, MeSH D009386, MONDO:0015356.

Submission:

Ambry Genetics
Classification: Uncertain significance for Hereditary cancer-predisposing syndrome. Last evaluated: 2021-02-24. Review status: criteria provided, single submitter. Criteria: Ambry Variant Classification Scheme 2023. Collection method: clinical testing. Allele origin: germline.
Comment: The p.A332V variant (also known as c.995C>T), located in coding exon 6 of the MSH3 gene, results from a C to T substitution at nucleotide position 995. The alanine at codon 332 is replaced by valine, an amino acid with similar properties. This amino acid position is highly conserved in available vertebrate species. In addition, the in silico prediction for this alteration is inconclusive. Since supporting evidence is limited at this time, the clinical significance of this alteration remains unclear.